The following is an entry in ClinVar:

ClinVar aggregate classification (germline): Uncertain significance (1 of 4 stars; one submission).

Submission:

GeneDx
Classification: Uncertain significance. Last evaluated: 2025-12-30. Review status: criteria provided, single submitter. Criteria: GeneDx Variant Classification Process June 2021. Collection method: clinical testing. Allele origin: germline. Affected: yes.
Comment: Not observed at significant frequency in large population cohorts (gnomAD); In silico analysis suggests that this missense variant does not alter protein structure/function; Has not been previously published as pathogenic or benign to our knowledge

NM_017433.5(MYO3A):c.3736G>A (p.Glu1246Lys)

Gene: MYO3A (myosin IIIA; plus strand). Cytogenetic location: 10p12.1.
Variant type: single nucleotide variant.
Coding change: c.3736G>A on transcript NM_017433.5 (MANE Select); coding-DNA position 3736, G replaced by A.
Protein change: p.Glu1246Lys; replaces glutamic acid 1246 with lysine.
Molecular consequence: missense variant.
Genome position (GRCh38, 1-based): chr10:26,174,000, G>A. VCF-style: chr10-26174000-G-A. GRCh37 (hg19) VCF-style: chr10-26462929-G-A.
Other names: short protein forms E1246K.
Identifiers: ClinVar variation 3378281 (VCV003378281.2).
Genomic context (GRCh38, chr10:26,174,000, plus strand): 5'-AATCTAAGGAAAGTGGAGAAAGAGGAAGCTATGATCCAGAGTTACTATCAGAGGTACACA[G>A]AGGAGAGGAATTGTGAAGAGTCAAAAGCAGCATATCTAGAAAGGAAGGCCATATCAGAAA-3'
Protein context (NP_059129.3, residues 1236-1256): MIQSYYQRYT[Glu1246Lys]ERNCEESKAA